The following is an entry in ClinVar:

ClinVar aggregate classification (germline): Likely benign (0 of 4 stars; one submission).

Conditions:
FAT3-related disorder. Also called: FAT3-related condition.

Allele frequency attached by ClinVar (database versions not stated): TOPMed 0.00003.
gnomAD v4.1: 5 of 1,611,668 alleles (0.00031%); highest among the groups gnomAD compares: East Asian, 0.0022%; no homozygotes.

Submission:

PreventionGenetics, part of Exact Sciences
Classification: Likely benign for FAT3-related condition. Last evaluated: 2019-08-09. Review status: no assertion criteria provided. Collection method: clinical testing. Allele origin: germline.
Comment: This variant is classified as likely benign based on ACMG/AMP sequence variant interpretation guidelines (Richards et al. 2015 PMID: 25741868, with internal and published modifications).

NM_001367949.2(FAT3):c.12375G>A (p.Thr4125=)

Gene: FAT3 (FAT atypical cadherin 3; plus strand). Cytogenetic location: 11q14.3.
Variant type: single nucleotide variant.
Coding change: c.12375G>A on transcript NM_001367949.2 (MANE Select); coding-DNA position 12375, G replaced by A.
Protein change: p.Thr4125=; no amino-acid change (threonine 4125 retained).
Molecular consequence: synonymous variant.
Genome position (GRCh38, 1-based): chr11:92,882,831, G>A. VCF-style: chr11-92882831-G-A. GRCh37 (hg19) VCF-style: chr11-92615997-G-A.
Other names: c.12375G>A, p.Thr4125= (NM_001008781.3).
Identifiers: ClinVar variation 3056818 (VCV003056818.2), dbSNP rs1448341536, ClinGen allele CA476480020.